The following is an entry in ClinVar:

ClinVar aggregate classification (germline): Uncertain significance (1 of 4 stars; one submission).

Allele frequency attached by ClinVar (database versions not stated): 1000 Genomes Project 0.00040; TOPMed 0.00005; gnomAD exomes 0.00010 and 0.00029; gnomAD 0.00007 and 0.00008; ExAC 0.00012; ESP Exome Variant Server 0.00015; 1000 Genomes Project 30x 0.00031.
gnomAD v4.1: 422 of 1,613,896 alleles (0.026%); highest among the groups gnomAD compares: Non-Finnish European, 0.035%; no homozygotes.

Submission:

GeneDx
Classification: Uncertain significance. Last evaluated: 2025-07-01. Review status: criteria provided, single submitter. Criteria: GeneDx Variant Classification Process June 2021. Collection method: clinical testing. Allele origin: germline. Affected: yes.
Comment: In silico analysis supports that this missense variant has a deleterious effect on protein structure/function; Has not been previously published as pathogenic or benign to our knowledge

NM_139319.3(SLC17A8):c.532G>A (p.Ala178Thr)

Gene: SLC17A8 (solute carrier family 17 member 8; plus strand). Cytogenetic location: 12q23.1.
Variant type: single nucleotide variant.
Coding change: c.532G>A on transcript NM_139319.3 (MANE Select); coding-DNA position 532, G replaced by A.
Protein change: p.Ala178Thr; replaces alanine 178 with threonine.
Molecular consequence: missense variant.
Genome position (GRCh38, 1-based): chr12:100,393,427, G>A. VCF-style: chr12-100393427-G-A. GRCh37 (hg19) VCF-style: chr12-100787205-G-A.
Other names: c.532G>A, p.Ala178Thr (NM_001145288.2); short protein forms A178T.
Identifiers: ClinVar variation 1188513 (VCV001188513.3), dbSNP rs142102133, ClinGen allele CA6738778.